The following is an entry in ClinVar:

NM_000059.4(BRCA2):c.253G>C (p.Gly85Arg)

Gene: BRCA2 (BRCA2 DNA repair associated; plus strand). Cytogenetic location: 13q13.1.
Variant type: single nucleotide variant.
Coding change: c.253G>C on transcript NM_000059.4 (MANE Select); coding-DNA position 253, G replaced by C.
Protein change: p.Gly85Arg; replaces glycine 85 with arginine.
Molecular consequence: missense variant. On other transcripts: 5 prime UTR variant (1), non-coding transcript variant (1).
Genome position (GRCh38, 1-based): chr13:32,319,262, G>C. VCF-style: chr13-32319262-G-C. GRCh37 (hg19) VCF-style: chr13-32893399-G-C.
Other names: c.253G>C, p.Gly85Arg (NM_001406719.1, NM_001406720.1, NM_001406721.1 and 1 more transcripts); c.-117G>C (NM_001406722.1); short protein forms G85R.
Identifiers: ClinVar variation 5033358 (VCV005033358.1).

ClinVar aggregate classification (germline): Uncertain significance (1 of 4 stars; one submission).

Conditions:
Hereditary cancer-predisposing syndrome. Also called: Neoplastic Syndromes, Hereditary; Tumor predisposition; Hereditary neoplastic syndrome; Hereditary Cancer Syndrome. Identifiers: Orphanet 140162, MedGen C0027672, MeSH D009386, MONDO:0015356.

Submission:

Ambry Genetics
Classification: Uncertain significance for Hereditary cancer-predisposing syndrome. Last evaluated: 2026-08-25. Review status: criteria provided, single submitter. Criteria: Ambry Variant Classification Scheme 2023. Collection method: clinical testing. Allele origin: germline.
Comment: The p.G85R variant (also known as c.253G>C), located in coding exon 2 of the BRCA2 gene, results from a G to C substitution at nucleotide position 253. The glycine at codon 85 is replaced by arginine, an amino acid with dissimilar properties. This amino acid position is not well conserved in available vertebrate species. In addition, this alteration is predicted to be tolerated by in silico analysis. Based on the available evidence, the clinical significance of this variant remains unclear.